The following is an entry in ClinVar:

NM_001845.6(COL4A1):c.1258G>A (p.Gly420Arg)

Gene: COL4A1 (collagen type IV alpha 1 chain; minus strand). Cytogenetic location: 13q34.
Variant type: single nucleotide variant.
Coding change: c.1258G>A on transcript NM_001845.6 (MANE Select); coding-DNA position 1258, G replaced by A.
Protein change: p.Gly420Arg; replaces glycine 420 with arginine.
Molecular consequence: missense variant.
Genome position (GRCh38, 1-based): chr13:110,198,494, C>T on the plus strand (G>A on the coding strand, the complement: COL4A1 is on the minus strand). VCF-style: chr13-110198494-C-T. GRCh37 (hg19) VCF-style: chr13-110850841-C-T.
Other names: c.1258G>A, p.Gly420Arg (NM_001303110.2); short protein forms G420R.
Identifiers: ClinVar variation 1172807 (VCV001172807.1), dbSNP rs2139187274, ClinGen allele CA388723935.

ClinVar aggregate classification (germline): Likely pathogenic (1 of 4 stars; one submission).

Conditions:
Cerebral palsy. Identifiers: MedGen C0007789, MONDO:0006497, HP:0100021.

Submission:

Neurogenetics Research Program, University of Adelaide
Classification: Likely pathogenic for Cerebral palsy. Last evaluated: 2021-06-10. Review status: criteria provided, single submitter. Criteria: ACMG Guidelines, 2015. Collection method: research. Allele origin: unknown. Affected: yes. Observed: 1 variant allele.
Comment: Alters glycine residue in Triple helix domain.